The following is an entry in ClinVar:

NM_182961.4(SYNE1):c.25132G>A (p.Gly8378Ser)

Gene: SYNE1 (spectrin repeat containing nuclear envelope protein 1; minus strand). Cytogenetic location: 6q25.2.
Variant type: single nucleotide variant.
Coding change: c.25132G>A on transcript NM_182961.4 (MANE Select); coding-DNA position 25132, G replaced by A.
Protein change: p.Gly8378Ser; replaces glycine 8378 with serine.
Molecular consequence: missense variant.
Genome position (GRCh38, 1-based): chr6:152,141,317, C>T on the plus strand (G>A on the coding strand, the complement: SYNE1 is on the minus strand). VCF-style: chr6-152141317-C-T. GRCh37 (hg19) VCF-style: chr6-152462452-C-T.
Other names: c.1738G>A, p.Gly580Ser (NM_001347701.2); c.1666G>A, p.Gly556Ser (NM_001347702.2); c.24988G>A, p.Gly8330Ser (NM_033071.5); short protein forms G580S, G8330S, G8378S, G556S.
Identifiers: ClinVar variation 1437414 (VCV001437414.5), dbSNP rs780271781, ClinGen allele CA4052921.

ClinVar aggregate classification (germline): Uncertain significance (1 of 4 stars; one submission).

Conditions:
Emery-Dreifuss muscular dystrophy 4, autosomal dominant (EDMD4). Also called: EMERY-DREIFUSS MUSCULAR DYSTROPHY 4 WITH VARIABLE FEATURES. Identifiers: Orphanet 261, MedGen C2751807, MONDO:0013071, OMIM 612998.
Autosomal recessive ataxia, Beauce type. Also called: Spinocerebellar ataxia, autosomal recessive 8; ATAXIA, RECESSIVE, OF BEAUCE; SYNE1 Deficiency; SYNE1-Related Autosomal Recessive Cerebellar Ataxia. Identifiers: Orphanet 88644, MedGen C1853116, MONDO:0012549, OMIM 610743.

Allele frequency attached by ClinVar (database versions not stated): gnomAD exomes below 0.00001 and 0.00001; ExAC 0.00001.
gnomAD v4.1: 2 of 1,614,108 alleles (0.00012%); highest among the groups gnomAD compares: Admixed American, 0.0033%; no homozygotes.

Submission:

Labcorp Genetics (formerly Invitae), Labcorp
Classification: Uncertain significance for Emery-Dreifuss muscular dystrophy 4, autosomal dominant; Autosomal recessive ataxia, Beauce type. Last evaluated: 2021-11-06. Review status: criteria provided, single submitter. Criteria: Invitae Variant Classification Sherloc (09022015). Collection method: clinical testing. Allele origin: germline.
Comment: In summary, the available evidence is currently insufficient to determine the role of this variant in disease. Therefore, it has been classified as a Variant of Uncertain Significance. Algorithms developed to predict the effect of missense changes on protein structure and function output the following: SIFT: "Deleterious"; PolyPhen-2: "Benign"; Align-GVGD: "Class C0". The serine amino acid residue is found in multiple mammalian species, which suggests that this missense change does not adversely affect protein function. This variant has not been reported in the literature in individuals affected with SYNE1-related conditions. This variant is present in population databases (rs780271781, gnomAD 0.006%). This sequence change replaces glycine, which is neutral and non-polar, with serine, which is neutral and polar, at codon 8330 of the SYNE1 protein (p.Gly8330Ser).